The following is an entry in ClinVar:

ClinVar aggregate classification (germline): Conflicting classifications of pathogenicity. Review status: criteria provided, conflicting classifications (1 of 4 stars). 2 submissions from 2 submitters: Likely pathogenic (1); Uncertain significance (1). Last evaluated 2025-10-08.

Conditions:
Hereditary cancer-predisposing syndrome. Also called: Tumor predisposition; Hereditary Cancer Syndrome; Hereditary neoplastic syndrome; Neoplastic Syndromes, Hereditary. Identifiers: Orphanet 140162, MedGen C0027672, MeSH D009386, MONDO:0015356.
Tumor predisposition syndrome 3 (TPDS3). Also called: Glioma susceptibility 9; LONG TELOMERE SYNDROME, POT1-RELATED; POT1 Tumor Predisposition; Melanoma, cutaneous malignant, susceptibility to, 10. Identifiers: Orphanet 618, MedGen C4014476, MONDO:0014368, OMIM 615848.

Submissions (2):

Ambry Genetics
Classification: Uncertain significance for Hereditary cancer-predisposing syndrome. Last evaluated: 2025-10-08. Review status: criteria provided, single submitter. Criteria: Ambry Variant Classification Scheme 2023. Collection method: clinical testing. Allele origin: germline.
Comment: The c.1007-2_1009delAGTAC variant results from a deletion of 5 nucleotides between positions c.1007-2 and c.1009 and involves the canonical splice acceptor site before coding exon 9 of the POT1 gene. The canonical splice acceptor site is well conserved in available vertebrate species. In silico splice site analysis predicts that this alteration may result in the creation or strengthening of a novel splice acceptor site; however, direct evidence is insufficient at this time (Ambry internal data). Since supporting evidence is limited at this time, the clinical significance of this alteration remains unclear.

Labcorp Genetics (formerly Invitae), Labcorp
Classification: Likely pathogenic for Tumor predisposition syndrome 3. Last evaluated: 2025-06-10. Review status: criteria provided, single submitter. Criteria: Invitae Variant Classification Sherloc (09022015). Collection method: clinical testing. Allele origin: germline.
Comment: This variant results in the deletion of part of exon 13 (c.1007-2_1009del) of the POT1 gene. It is expected to disrupt RNA splicing. Variants that disrupt the donor or acceptor splice site typically lead to a loss of protein function (PMID: 16199547), and loss-of-function variants in POT1 are known to be pathogenic (PMID: 32155570). This variant is present in population databases (rs754005964, gnomAD 0.007%). This variant has not been reported in the literature in individuals affected with POT1-related conditions. ClinVar contains an entry for this variant (Variation ID: 821995). In summary, the currently available evidence indicates that the variant is pathogenic, but additional data are needed to prove that conclusively. Therefore, this variant has been classified as Likely Pathogenic.

Literature cited by the submitters: PubMed 16199547 (cited by Labcorp Genetics (formerly Invitae), Labcorp); PubMed 32155570 (cited by Labcorp Genetics (formerly Invitae), Labcorp).

NM_015450.3(POT1):c.1007-2_1009del

Gene: POT1 (protection of telomeres 1; minus strand). Cytogenetic location: 7q31.33.
Variant type: Deletion.
Coding change: c.1007-2_1009del on transcript NM_015450.3 (MANE Select); the canonical splice acceptor site of the intron before coding-DNA position 1007 through coding-DNA position 1009, 5 bases deleted (AGTAC; older notation c.1007-2_1009delAGTAC).
Molecular consequence: splice acceptor variant.
Genome position (GRCh38, 1-based): chr7:124,842,961-124,842,965, GTACT deleted on the plus strand (AGTAC on the coding strand, the reverse complement: POT1 is on the minus strand); deleting any 5 consecutive bases within chr7:124,842,961-124,842,968 gives the same sequence; the c. name uses the placement nearest the transcript's 3' end. VCF-style (leftmost placement, unchanged base first): chr7-124842960-AGTACT-A. GRCh37 (hg19) VCF-style: chr7-124483014-AGTACT-A.
Other names: c.614-2_616del (NM_001042594.2).
Identifiers: ClinVar variation 821995 (VCV000821995.8), dbSNP rs754005964, ClinGen allele CA4465248.